The following is an entry in ClinVar:

NM_177438.3(DICER1):c.3270-6_3270-5del

Gene: DICER1 (dicer 1, ribonuclease III; minus strand). Cytogenetic location: 14q32.13.
Variant type: Deletion.
Coding change: c.3270-6_3270-5del on transcript NM_177438.3 (MANE Select); 6 bases into the intron before coding-DNA position 3270 through 5 bases into the intron before coding-DNA position 3270, 2 bases deleted (TT; older notation c.3270-6_3270-5delTT).
Molecular consequence: intron variant.
Genome position (GRCh38, 1-based): chr14:95,104,131-95,104,132, AA deleted on the plus strand (TT on the coding strand, the reverse complement: DICER1 is on the minus strand); deleting any 2 consecutive bases within chr14:95,104,131-95,104,133 gives the same sequence; the c. name uses the placement nearest the transcript's 3' end. VCF-style (leftmost placement, unchanged base first): chr14-95104130-CAA-C. GRCh37 (hg19) VCF-style: chr14-95570467-CAA-C.
Other names: c.3270-6_3270-5del (NM_001291628.2, NM_030621.4, NM_001395677.1 and 12 more transcripts); c.2865-6_2865-5del (NM_001395690.1, NM_001395687.1, NM_001395689.1 and 2 more transcripts); c.2988-6_2988-5del (NM_001395686.1); c.2703-6_2703-5del (NM_001395691.1); c.1587-6_1587-5del (NM_001395697.1).
Identifiers: ClinVar variation 2709324 (VCV002709324.3), dbSNP rs2542724105, ClinGen allele CA2697554168.
Genomic context (GRCh38, chr14:95,104,130, plus strand): 5'-GAGATGAAAGATTTGCTGTCAATAGATTTTTTCCACCCGAAGTCTAAGTTAGGGTATCTG[CAA>C]AGACATTTTTATAACTTTACATCAGATTCTTCAAAACAGCTAGGCTGAGAGCAACAGCAA-3'

ClinVar aggregate classification (germline): Likely pathogenic (1 of 4 stars; one submission).

Conditions:
DICER1-related tumor predisposition. Also called: DICER1 syndrome; DICER1-related pleuropulmonary blastoma cancer predisposition syndrome. Identifiers: Orphanet 284343, MedGen C3839822, MONDO:0100216.

Submission:

Labcorp Genetics (formerly Invitae), Labcorp
Classification: Likely pathogenic for DICER1-related tumor predisposition. Last evaluated: 2024-05-08. Review status: criteria provided, single submitter. Criteria: Invitae Variant Classification Sherloc (09022015). Collection method: clinical testing. Allele origin: germline.
Comment: This sequence change falls in intron 20 of the DICER1 gene. It does not directly change the encoded amino acid sequence of the DICER1 protein. RNA analysis indicates that this variant induces altered splicing and may result in an absent or disrupted protein product. This variant is not present in population databases (gnomAD no frequency). This variant has not been reported in the literature in individuals affected with DICER1-related conditions. Studies have shown that this variant results in partial deletion of exon 21 and introduces a premature termination codon (Invitae). The resulting mRNA is expected to undergo nonsense-mediated decay. In summary, the currently available evidence indicates that the variant is pathogenic, but additional data are needed to prove that conclusively. Therefore, this variant has been classified as Likely Pathogenic.